The following is an entry in ClinVar:

ClinVar aggregate classification (germline): not provided (0 of 4 stars; one submission).

Allele frequency attached by ClinVar (database versions not stated): ESP Exome Variant Server 0.02463; TOPMed 0.02564; 1000 Genomes Project 0.02935; 1000 Genomes Project 30x 0.03061.
gnomAD v4.1: 7,144 of 1,613,476 alleles (0.44%); highest among the groups gnomAD compares: African/African-American, 8.2%; 270 homozygotes.

Submission:

ITMI
No classification provided. Condition: AllHighlyPenetrant. Last evaluated: 2013-09-19. Review status: no classification provided. Collection method: reference population. Allele origin: germline.
Comment: Please see associated publication for description of ethnicities

Literature cited by the submitters: PubMed 24728327.

NM_001077706.3(ECT2L):c.1051G>A (p.Glu351Lys)

Gene: ECT2L (epithelial cell transforming 2 like; plus strand). Cytogenetic location: 6q24.1.
Variant type: single nucleotide variant.
Coding change: c.1051G>A on transcript NM_001077706.3 (MANE Select); coding-DNA position 1051, G replaced by A.
Protein change: p.Glu351Lys; replaces glutamic acid 351 with lysine.
Molecular consequence: missense variant.
Genome position (GRCh38, 1-based): chr6:138,849,416, G>A. VCF-style: chr6-138849416-G-A. GRCh37 (hg19) VCF-style: chr6-139170553-G-A.
Other names: c.1051G>A, p.Glu351Lys (NM_001195037.2); short protein forms E351K.
Identifiers: ClinVar variation 134015 (VCV000134015.1), dbSNP rs73557274, ClinGen allele CA158423.